The following is an entry in ClinVar:

NM_006231.4(POLE):c.2782A>G (p.Ser928Gly)

Gene: POLE (DNA polymerase epsilon, catalytic subunit; minus strand). Cytogenetic location: 12q24.33.
Variant type: single nucleotide variant.
Coding change: c.2782A>G on transcript NM_006231.4 (MANE Select); coding-DNA position 2782, A replaced by G.
Protein change: p.Ser928Gly; replaces serine 928 with glycine.
Molecular consequence: missense variant.
Genome position (GRCh38, 1-based): chr12:132,661,609, T>C on the plus strand (A>G on the coding strand, the complement: POLE is on the minus strand). VCF-style: chr12-132661609-T-C. GRCh37 (hg19) VCF-style: chr12-133238195-T-C.
Other names: c.2782A>G (NM_006231.2); short protein forms S928G.
Identifiers: ClinVar variation 1407274 (VCV001407274.7), dbSNP rs2042683691, ClinGen allele CA387393818.
Genomic context (GRCh38, chr12:132,661,609, plus strand): 5'-CTTCCTTGGAGGCTGGAAGAATCATGGCAAGGTAGGGCCCATCAACCTCAAAAAAGATGC[T>C]GTTCTCTGAGCGGGTGACGTAGGTGAGTGAGGACGGCTCAGCCAGCTCCTGGTACTGGTC-3'
Protein context (NP_006222.2, residues 918-938): SLTYVTRSEN[Ser928Gly]IFFEVDGPYL

ClinVar aggregate classification (germline): Uncertain significance. Review status: criteria provided, multiple submitters, no conflicts (2 of 4 stars). 2 submissions from 2 submitters: Uncertain significance (2). Last evaluated 2025-08-20.

Conditions:
Hereditary cancer-predisposing syndrome. Also called: Hereditary neoplastic syndrome; Hereditary Cancer Syndrome; Neoplastic Syndromes, Hereditary; Tumor predisposition. Identifiers: Orphanet 140162, MedGen C0027672, MeSH D009386, MONDO:0015356.

Allele frequency attached by ClinVar (database versions not stated): gnomAD exomes below 0.00001; TOPMed 0.00001.
gnomAD v4.1: 2 of 1,614,184 alleles (0.00012%); highest among the groups gnomAD compares: Non-Finnish European, 0.00017%; no homozygotes.

Submissions (2):

Ambry Genetics
Classification: Uncertain significance for Hereditary cancer-predisposing syndrome. Last evaluated: 2025-08-20. Review status: criteria provided, single submitter. Criteria: Ambry Variant Classification Scheme 2023. Collection method: clinical testing. Allele origin: germline.
Comment: The p.S928G variant (also known as c.2782A>G), located in coding exon 24 of the POLE gene, results from an A to G substitution at nucleotide position 2782. The serine at codon 928 is replaced by glycine, an amino acid with similar properties. This amino acid position is conserved. In addition, the in silico prediction for this alteration is inconclusive. Based on the available evidence, the clinical significance of this variant remains unclear.

Labcorp Genetics (formerly Invitae), Labcorp
Classification: Uncertain significance. Last evaluated: 2023-07-13. Review status: criteria provided, single submitter. Criteria: Invitae Variant Classification Sherloc (09022015). Collection method: clinical testing. Allele origin: germline.
Comment: In summary, the available evidence is currently insufficient to determine the role of this variant in disease. Therefore, it has been classified as a Variant of Uncertain Significance. Advanced modeling of protein sequence and biophysical properties (such as structural, functional, and spatial information, amino acid conservation, physicochemical variation, residue mobility, and thermodynamic stability) performed at Invitae indicates that this missense variant is expected to disrupt POLE protein function. ClinVar contains an entry for this variant (Variation ID: 1407274). This variant has not been reported in the literature in individuals affected with POLE-related conditions. This variant is not present in population databases (gnomAD no frequency). This sequence change replaces serine, which is neutral and polar, with glycine, which is neutral and non-polar, at codon 928 of the POLE protein (p.Ser928Gly).